The following is an entry in ClinVar:

ClinVar aggregate classification (germline): Benign/Likely benign. Review status: criteria provided, multiple submitters, no conflicts (2 of 4 stars). 3 submissions from 3 submitters: Benign (1); Likely benign (2). Last evaluated 2025-03-28.

Conditions:
Hereditary cancer-predisposing syndrome. Also called: Neoplastic Syndromes, Hereditary; Hereditary Cancer Syndrome; Hereditary neoplastic syndrome; Tumor predisposition. Identifiers: Orphanet 140162, MedGen C0027672, MeSH D009386, MONDO:0015356.
Peutz-Jeghers syndrome (PJS). Also called: POLYPOSIS, HAMARTOMATOUS INTESTINAL; POLYPS-AND-SPOTS SYNDROME; Peutz-Jeghers polyposis; Periorificial lentiginosis syndrome. Identifiers: Orphanet 2869, MedGen C0031269, MeSH D010580, MONDO:0008280, OMIM 175200.

Allele frequency attached by ClinVar (database versions not stated): gnomAD exomes below 0.00001.
gnomAD v4.1: 2 of 1,610,820 alleles (0.00012%); highest among the groups gnomAD compares: Non-Finnish European, 0.00017%; no homozygotes.

Submissions (3):

Myriad Genetics, Inc.
Classification: Benign for Peutz-Jeghers syndrome. Last evaluated: 2025-03-28. Review status: criteria provided, single submitter. Criteria: Myriad Autosomal Dominant, Autosomal Recessive and X-Linked Classification Criteria (2023). Collection method: clinical testing. Allele origin: unknown.
Comment: This variant is considered benign. This variant is a silent/synonymous amino acid change and it is not expected to impact splicing.

Labcorp Genetics (formerly Invitae), Labcorp
Classification: Likely benign for Peutz-Jeghers syndrome. Last evaluated: 2024-04-12. Review status: criteria provided, single submitter. Criteria: Invitae Variant Classification Sherloc (09022015). Collection method: clinical testing. Allele origin: germline.

Ambry Genetics
Classification: Likely benign for Hereditary cancer-predisposing syndrome. Last evaluated: 2023-09-25. Review status: criteria provided, single submitter. Criteria: Ambry Variant Classification Scheme 2023. Collection method: clinical testing. Allele origin: germline.

NM_000455.5(STK11):c.1161C>A (p.Pro387=)

Gene: STK11 (serine/threonine kinase 11; plus strand). Cytogenetic location: 19p13.3.
Variant type: single nucleotide variant.
Coding change: c.1161C>A on transcript NM_000455.5 (MANE Select); coding-DNA position 1161, C replaced by A.
Protein change: p.Pro387=; no amino-acid change (proline 387 retained).
Molecular consequence: synonymous variant.
Genome position (GRCh38, 1-based): chr19:1,226,506, C>A. VCF-style: chr19-1226506-C-A. GRCh37 (hg19) VCF-style: chr19-1226505-C-A.
Other names: c.1161C>A (NM_000455.4).
Identifiers: ClinVar variation 1161574 (VCV001161574.11), dbSNP rs1427783283, ClinGen allele CA504708458.